The following is an entry in ClinVar:

ClinVar aggregate classification (germline): Uncertain significance. Review status: criteria provided, single submitter (1 of 4 stars). 2 submissions from 2 submitters: Uncertain significance (1). 1 of the submissions does not count toward it. Last evaluated 2017-08-24.

Conditions:
Pulmonary arterial hypertension related to hereditary hemorrhagic telangiectasia. Also called: PULMONARY ARTERIAL HYPERTENSION, HEREDITARY HEMORRHAGIC TELANGIECTASIA-RELATED. Identifiers: MedGen C1832529.

Submissions (2):

ARUP Laboratories, Molecular Genetics and Genomics, ARUP Laboratories
Classification: Uncertain significance. Last evaluated: 2017-08-24. Review status: criteria provided, single submitter. Criteria: ARUP Molecular Germline Variant Investigation Process. Collection method: clinical testing. Allele origin: germline.
Comment: The ENG c.788T>A;p.Ile263Asn variant has been described in individuals with hereditary haemorrhagic telangiectasia-associated pulmonary hypertension (Chen 2013, Machado 2015). The variant is listed in the ClinVar database (Variation ID: 426042), but not in the dbSNP variant database or the general population-based databases (Exome Variant Server, Genome Aggregation Database). The amino acid at this position is moderately conserved across species and computational algorithms (PolyPhen2, SIFT) predict this variant is deleterious. Considering available information, this variant cannot be classified with certainty. References: Chen YJ et al. Clinical and genetic characteristics of Chinese patients with hereditary haemorrhagic telangiectasia-associated pulmonary hypertension. Eur J Clin Invest. 2013 Oct;43(10):1016-24. Machado RD et al. Pulmonary Arterial Hypertension: A Current Perspective on Established and Emerging Molecular Genetic Defects. Hum Mutat. 2015 Dec;36(12):1113-27.

Rare Disease Genomics Group, St George's University of London
Classification: Pathogenic for Pulmonary arterial hypertension related to hereditary hemorrhagic telangiectasia. Review status: no assertion criteria provided. Collection method: literature only. Allele origin: germline. Affected: yes. Not counted in ClinVar's aggregate classification.

Literature cited by the submitters: PubMed 23919827 (cited by Rare Disease Genomics Group, St George's University of London).

NM_001114753.3(ENG):c.788T>A (p.Ile263Asn)

Gene: ENG (endoglin; minus strand). Cytogenetic location: 9q34.11.
Variant type: single nucleotide variant.
Coding change: c.788T>A on transcript NM_001114753.3 (MANE Select); coding-DNA position 788, T replaced by A.
Protein change: p.Ile263Asn; replaces isoleucine 263 with asparagine.
Molecular consequence: missense variant.
Genome position (GRCh38, 1-based): chr9:127,825,259, A>T on the plus strand (T>A on the coding strand, the complement: ENG is on the minus strand). VCF-style: chr9-127825259-A-T. GRCh37 (hg19) VCF-style: chr9-130587538-A-T.
Other names: c.242T>A, p.Ile81Asn (NM_001278138.2); c.788T>A, p.Ile263Asn (NM_001406715.1, NM_000118.4); short protein forms I263N, I81N.
Identifiers: ClinVar variation 426042 (VCV000426042.9), dbSNP rs1085307431, ClinGen allele CA374983163.